The following is an entry in ClinVar:

ClinVar aggregate classification (germline): Likely pathogenic (1 of 4 stars; one submission).

Conditions:
Hereditary diffuse leukoencephalopathy with spheroids. Also called: LEUKOENCEPHALOPATHY, ADULT-ONSET, WITH AXONAL SPHEROIDS AND PIGMENTED GLIA. Identifiers: Orphanet 313808, MedGen C3711381, MONDO:0030796.

Submission:

Institute of Human Genetics, University of Leipzig Medical Center
Classification: Likely pathogenic for Leukoencephalopathy, diffuse hereditary, with spheroids 1. Last evaluated: 2022-01-04. Review status: criteria provided, single submitter. Criteria: ACMG Guidelines, 2015. Collection method: clinical testing. Allele origin: unknown. Affected: yes.
Comment: _x000D_ Criteria applied: PM1, PM5, PM2_SUP, PP3

NM_001288705.3(CSF1R):c.2467G>A (p.Ala823Thr)

Gene: CSF1R (colony stimulating factor 1 receptor; minus strand). Cytogenetic location: 5q32.
Variant type: single nucleotide variant.
Coding change: c.2467G>A on transcript NM_001288705.3 (MANE Select); coding-DNA position 2467, G replaced by A.
Protein change: p.Ala823Thr; replaces alanine 823 with threonine.
Molecular consequence: missense variant. On other transcripts: non-coding transcript variant (2).
Genome position (GRCh38, 1-based): chr5:150,056,113, C>T on the plus strand (G>A on the coding strand, the complement: CSF1R is on the minus strand). VCF-style: chr5-150056113-C-T. GRCh37 (hg19) VCF-style: chr5-149435676-C-T.
Other names: c.2467G>A, p.Ala823Thr (NM_001349736.2, NM_001375320.1, NM_005211.4); c.2023G>A, p.Ala675Thr (NM_001375321.1); short protein forms A675T, A823T.
Identifiers: ClinVar variation 1338803 (VCV001338803.1), dbSNP rs2113778666, ClinGen allele CA361758573.